The following is an entry in ClinVar:

ClinVar aggregate classification (germline): Uncertain significance. Review status: criteria provided, multiple submitters, no conflicts (2 of 4 stars). 2 submissions from 2 submitters: Uncertain significance (2). Last evaluated 2025-03-10.

Conditions:
Rothmund-Thomson syndrome type 2 (RTS2). Identifiers: Orphanet 221016, MedGen C5203410, MONDO:0016369, OMIM 268400.
Baller-Gerold syndrome (BGS). Also called: CRANIOSYNOSTOSIS WITH RADIAL DEFECTS. Identifiers: Orphanet 1225, MedGen C0265308, MONDO:0009039, OMIM 218600.

Allele frequency attached by ClinVar (database versions not stated): gnomAD exomes below 0.00001; TOPMed below 0.00001.
gnomAD v4.1: 5 of 1,562,410 alleles (0.00032%); highest among the groups gnomAD compares: Middle Eastern, 0.019%; no homozygotes.

Submissions (2):

Labcorp Genetics (formerly Invitae), Labcorp
Classification: Uncertain significance for Baller-Gerold syndrome. Last evaluated: 2025-03-10. Review status: criteria provided, single submitter. Criteria: Invitae Variant Classification Sherloc (09022015). Collection method: clinical testing. Allele origin: germline.
Comment: This sequence change falls in intron 14 of the RECQL4 gene. It does not directly change the encoded amino acid sequence of the RECQL4 protein. It affects a nucleotide within the consensus splice site. The frequency data for this variant in the population databases is considered unreliable, as metrics indicate poor data quality at this position in the gnomAD database. This variant has not been reported in the literature in individuals affected with RECQL4-related conditions. ClinVar contains an entry for this variant (Variation ID: 572448). Variants that disrupt the consensus splice site are a relatively common cause of aberrant splicing (PMID: 17576681, 9536098). Algorithms developed to predict the effect of sequence changes on RNA splicing suggest that this variant may disrupt the consensus splice site. In summary, the available evidence is currently insufficient to determine the role of this variant in disease. Therefore, it has been classified as a Variant of Uncertain Significance.

Baylor Genetics
Classification: Uncertain significance for Rothmund-Thomson syndrome type 2. Last evaluated: 2019-01-15. Review status: criteria provided, single submitter. Criteria: ACMG Guidelines, 2015. Collection method: clinical testing. Allele origin: unknown. Affected: yes. Study: CSER-TexasKidsCanSeq.
Comment: This variant was determined to be of uncertain significance according to ACMG Guidelines, 2015 [PMID:25741868].

Literature cited by the submitters: PubMed 17576681 (cited by Labcorp Genetics (formerly Invitae), Labcorp); PubMed 9536098 (cited by Labcorp Genetics (formerly Invitae), Labcorp).

NM_004260.4(RECQL4):c.2463+5G>A

Gene: RECQL4 (RecQ like helicase 4; minus strand). Cytogenetic location: 8q24.3.
Variant type: single nucleotide variant.
Coding change: c.2463+5G>A on transcript NM_004260.4 (MANE Select); 5 bases into the intron after coding-DNA position 2463, G replaced by A.
Molecular consequence: intron variant.
Genome position (GRCh38, 1-based): chr8:144,513,213, C>T on the plus strand (G>A on the coding strand, the complement: RECQL4 is on the minus strand). VCF-style: chr8-144513213-C-T. GRCh37 (hg19) VCF-style: chr8-145738596-C-T.
Identifiers: ClinVar variation 572448 (VCV000572448.9), dbSNP rs1264630646, ClinGen allele CA586165233.